The following is an entry in ClinVar:

NM_022367.4(SEMA4A):c.1537C>T (p.His513Tyr)

Gene: SEMA4A (semaphorin 4A; plus strand). Cytogenetic location: 1q22.
Variant type: single nucleotide variant.
Coding change: c.1537C>T on transcript NM_022367.4 (MANE Select); coding-DNA position 1537, C replaced by T.
Protein change: p.His513Tyr; replaces histidine 513 with tyrosine.
Molecular consequence: missense variant.
Genome position (GRCh38, 1-based): chr1:156,175,188, C>T. VCF-style: chr1-156175188-C-T. GRCh37 (hg19) VCF-style: chr1-156144979-C-T.
Other names: c.1537C>T, p.His513Tyr (NM_001193300.2, NM_001193301.2, NM_001370567.1); c.1141C>T, p.His381Tyr (NM_001193302.2); c.1240C>T, p.His414Tyr (NM_001370568.1); c.1030C>T, p.His344Tyr (NM_001370569.1, NM_001370571.1); short protein forms H414Y, H513Y, H344Y, H381Y.
Identifiers: ClinVar variation 1382684 (VCV001382684.6), dbSNP rs1423541156, ClinGen allele CA342809505.
Genomic context (GRCh38, chr1:156,175,188, plus strand): 5'-CCCCGAGCCAACTGTAGTGTCTATGAGAGCTGTGTGGACTGTGTCCTTGCCCGGGACCCC[C>T]ACTGTGCCTGGGACCCTGAGTCCCGAACCTGTTGCCTCCTGTCTGCCCCCAACCTGTGAG-3'
Protein context (NP_071762.2, residues 503-523): CVDCVLARDP[His513Tyr]CAWDPESRTC

ClinVar aggregate classification (germline): Uncertain significance (1 of 4 stars; one submission).

Allele frequency attached by ClinVar (database versions not stated): gnomAD exomes below 0.00001.

Submission:

Labcorp Genetics (formerly Invitae), Labcorp
Classification: Uncertain significance. Last evaluated: 2022-04-29. Review status: criteria provided, single submitter. Criteria: Invitae Variant Classification Sherloc (09022015). Collection method: clinical testing. Allele origin: germline.
Comment: In summary, the available evidence is currently insufficient to determine the role of this variant in disease. Therefore, it has been classified as a Variant of Uncertain Significance. Algorithms developed to predict the effect of missense changes on protein structure and function (SIFT, PolyPhen-2, Align-GVGD) all suggest that this variant is likely to be tolerated. This variant has not been reported in the literature in individuals affected with SEMA4A-related conditions. This variant is present in population databases (no rsID available, gnomAD 0.006%). This sequence change replaces histidine, which is basic and polar, with tyrosine, which is neutral and polar, at codon 513 of the SEMA4A protein (p.His513Tyr).